The following is an entry in ClinVar:

NM_000051.4(ATM):c.710C>T (p.Thr237Ile)

Gene: ATM (ATM serine/threonine kinase; plus strand). Cytogenetic location: 11q22.3.
Variant type: single nucleotide variant.
Coding change: c.710C>T on transcript NM_000051.4 (MANE Select); coding-DNA position 710, C replaced by T.
Protein change: p.Thr237Ile; replaces threonine 237 with isoleucine.
Molecular consequence: missense variant.
Genome position (GRCh38, 1-based): chr11:108,244,835, C>T. VCF-style: chr11-108244835-C-T. GRCh37 (hg19) VCF-style: chr11-108115562-C-T.
Other names: c.710C>T, p.Thr237Ile (NM_001351834.2); short protein forms T237I.
Identifiers: ClinVar variation 2152125 (VCV002152125.4), dbSNP rs2079758183, ClinGen allele CA382529161.

ClinVar aggregate classification (germline): Uncertain significance (1 of 4 stars; one submission).

Conditions:
Ataxia-telangiectasia syndrome (AT). Also called: AT, COMPLEMENTATION GROUP C; Ataxia telangiectasia (A-T); LOUIS-BAR SYNDROME; Cerebello-oculocutaneous telangiectasia; Immunodeficiency with ataxia telangiectasia; Ataxia-telangiectasia, complementation group D. Identifiers: Orphanet 100, MedGen C0004135, MONDO:0008840, OMIM 208900.

Allele frequency attached by ClinVar (database versions not stated): gnomAD 0.00001.
gnomAD v4.1: 1 of 1,613,702 alleles (0.000062%); highest among the groups gnomAD compares: Admixed American, 0.0017%; no homozygotes.

Submission:

Labcorp Genetics (formerly Invitae), Labcorp
Classification: Uncertain significance for Ataxia-telangiectasia syndrome. Last evaluated: 2022-03-30. Review status: criteria provided, single submitter. Criteria: Invitae Variant Classification Sherloc (09022015). Collection method: clinical testing. Allele origin: germline.
Comment: In summary, the available evidence is currently insufficient to determine the role of this variant in disease. Therefore, it has been classified as a Variant of Uncertain Significance. Advanced modeling of protein sequence and biophysical properties (such as structural, functional, and spatial information, amino acid conservation, physicochemical variation, residue mobility, and thermodynamic stability) performed at Invitae indicates that this missense variant is not expected to disrupt ATM protein function. This variant has not been reported in the literature in individuals affected with ATM-related conditions. This variant is not present in population databases (gnomAD no frequency). This sequence change replaces threonine, which is neutral and polar, with isoleucine, which is neutral and non-polar, at codon 237 of the ATM protein (p.Thr237Ile).